The following is an entry in ClinVar:

NM_032447.5(FBN3):c.8161G>A (p.Glu2721Lys)

Gene: FBN3 (fibrillin 3; minus strand). Cytogenetic location: 19p13.2.
Variant type: single nucleotide variant.
Coding change: c.8161G>A on transcript NM_032447.5 (MANE Select); coding-DNA position 8161, G replaced by A.
Protein change: p.Glu2721Lys; replaces glutamic acid 2721 with lysine.
Molecular consequence: missense variant.
Genome position (GRCh38, 1-based): chr19:8,066,188, C>T on the plus strand (G>A on the coding strand, the complement: FBN3 is on the minus strand). VCF-style: chr19-8066188-C-T. GRCh37 (hg19) VCF-style: chr19-8131072-C-T.
Other names: c.8161G>A (NM_032447.3); c.8161G>A, p.Glu2721Lys (NM_001321431.2); short protein forms E2721K.
Identifiers: ClinVar variation 3016927 (VCV003016927.4), dbSNP rs558440722, ClinGen allele CA9150618.

ClinVar aggregate classification (germline): Conflicting classifications of pathogenicity. Review status: criteria provided, conflicting classifications (1 of 4 stars). 2 submissions from 2 submitters: Uncertain significance (1); Likely benign (1). Last evaluated 2025-09-15.

Allele frequency attached by ClinVar (database versions not stated): 1000 Genomes Project 30x 0.00016; 1000 Genomes Project 0.00020.
gnomAD v4.1: 39 of 1,611,150 alleles (0.0024%); highest among the groups gnomAD compares: African/African-American, 0.029%; no homozygotes.

Submissions (2):

Labcorp Genetics (formerly Invitae), Labcorp
Classification: Uncertain significance. Last evaluated: 2025-09-15. Review status: criteria provided, single submitter. Criteria: Invitae Variant Classification Sherloc (09022015). Collection method: clinical testing. Allele origin: germline.
Comment: This sequence change replaces glutamic acid, which is acidic and polar, with lysine, which is basic and polar, at codon 2721 of the FBN3 protein (p.Glu2721Lys). This variant is present in population databases (rs558440722, gnomAD 0.02%). This variant has not been reported in the literature in individuals affected with FBN3-related conditions. ClinVar contains an entry for this variant (Variation ID: 3016927). Invitae Evidence Modeling of protein sequence and biophysical properties (such as structural, functional, and spatial information, amino acid conservation, physicochemical variation, residue mobility, and thermodynamic stability) indicates that this missense variant is not expected to disrupt FBN3 protein function with a negative predictive value of 80%. In summary, the available evidence is currently insufficient to determine the role of this variant in disease. Therefore, it has been classified as a Variant of Uncertain Significance.

Ambry Genetics
Classification: Likely benign. Last evaluated: 2023-12-16. Review status: criteria provided, single submitter. Criteria: Ambry Variant Classification Scheme 2023. Collection method: clinical testing. Allele origin: germline.